The following is an entry in ClinVar:

ClinVar aggregate classification (germline): Uncertain significance (1 of 4 stars; one submission).

Conditions:
Rhabdoid tumor predisposition syndrome 2 (RTPS2). Identifiers: Orphanet 231108, Orphanet 69077, MedGen C2750074, MONDO:0013224, OMIM 613325.

Submission:

Labcorp Genetics (formerly Invitae), Labcorp
Classification: Uncertain significance for Rhabdoid tumor predisposition syndrome 2. Last evaluated: 2023-06-30. Review status: criteria provided, single submitter. Criteria: Invitae Variant Classification Sherloc (09022015). Collection method: clinical testing. Allele origin: germline.
Comment: In summary, the available evidence is currently insufficient to determine the role of this variant in disease. Therefore, it has been classified as a Variant of Uncertain Significance. This sequence change falls in intron 34 of the SMARCA4 gene. It does not directly change the encoded amino acid sequence of the SMARCA4 protein. This variant is not present in population databases (gnomAD no frequency). This variant has not been reported in the literature in individuals affected with SMARCA4-related conditions. Algorithms developed to predict the effect of sequence changes on RNA splicing suggest that this variant may create or strengthen a splice site.

NM_003072.5(SMARCA4):c.4769-76_4769-11del

Gene: SMARCA4 (SWI/SNF related BAF chromatin remodeling complex subunit ATPase 4; plus strand). Cytogenetic location: 19p13.2.
Variant type: Deletion.
Coding change: c.4769-76_4769-11del on transcript NM_003072.5 (MANE Select); 76 bases into the intron before coding-DNA position 4769 through 11 bases into the intron before coding-DNA position 4769, 66 bases deleted.
Molecular consequence: intron variant.
Genome position (GRCh38, 1-based): chr19:11,059,969-11,060,034, 66 bases deleted. GRCh37 (hg19): chr19:11,170,645-11,170,710.
Other names: c.4670-76_4670-11del (NM_001374457.1, NM_001128847.4); c.4679-76_4679-11del (NM_001128845.2); c.4676-76_4676-11del (NM_001128846.2); c.4667-76_4667-11del (NM_001128848.2); c.4769-76_4769-11del (NM_001128844.3); c.4865-76_4865-11del (NM_001128849.3, NM_001387283.1); c.4766-76_4766-11del (NM_001411150.1).
Identifiers: ClinVar variation 2724290 (VCV002724290.3), dbSNP rs2515812790, ClinGen allele CA2697556282.